The following is an entry in ClinVar:

NM_001649.4(SHROOM2):c.222C>T (p.Ile74=)

Gene: SHROOM2 (shroom family member 2; plus strand). Cytogenetic location: Xp22.2.
Variant type: single nucleotide variant.
Coding change: c.222C>T on transcript NM_001649.4 (MANE Select); coding-DNA position 222, C replaced by T.
Protein change: p.Ile74=; no amino-acid change (isoleucine 74 retained).
Molecular consequence: synonymous variant.
Genome position (GRCh38, 1-based): chrX:9,873,708, C>T. VCF-style: chrX-9873708-C-T. GRCh37 (hg19) VCF-style: chrX-9841748-C-T.
Identifiers: ClinVar variation 3060870 (VCV003060870.2), dbSNP rs201837863, ClinGen allele CA10345133.

ClinVar aggregate classification (germline): Likely benign (0 of 4 stars; one submission).

Conditions:
SHROOM2-related disorder. Also called: SHROOM2-related condition.

Allele frequency attached by ClinVar (database versions not stated): gnomAD exomes 0.00001; ExAC 0.00003; TOPMed 0.00003; gnomAD 0.00004; 1000 Genomes Project 0.00026; 1000 Genomes Project 30x 0.00042.

Submission:

PreventionGenetics, part of Exact Sciences
Classification: Likely benign for SHROOM2-related condition. Last evaluated: 2019-04-15. Review status: no assertion criteria provided. Collection method: clinical testing. Allele origin: germline.
Comment: This variant is classified as likely benign based on ACMG/AMP sequence variant interpretation guidelines (Richards et al. 2015 PMID: 25741868, with internal and published modifications).